The following is an entry in ClinVar:

NM_000431.4(MVK):c.244A>G (p.Thr82Ala)

Gene: MVK (mevalonate kinase; plus strand). Cytogenetic location: 12q24.11.
Variant type: single nucleotide variant.
Coding change: c.244A>G on transcript NM_000431.4 (MANE Select); coding-DNA position 244, A replaced by G.
Protein change: p.Thr82Ala; replaces threonine 82 with alanine.
Molecular consequence: missense variant.
Genome position (GRCh38, 1-based): chr12:109,579,819, A>G. VCF-style: chr12-109579819-A-G. GRCh37 (hg19) VCF-style: chr12-110017624-A-G.
Other names: c.244A>G, p.Thr82Ala (NM_001114185.3, NM_001301182.2); short protein forms T82A.
Identifiers: ClinVar variation 1061884 (VCV001061884.9), dbSNP rs2136224465, ClinGen allele CA386645222.
Genomic context (GRCh38, chr12:109,579,819, plus strand): 5'-TCCCTCTCACCCACTTGTGTTTGCTTGTTTGCCTGTGGAACAGAGCAAGGTGATGTCACA[A>G]CACCCACCTCAGAGCAAGTGGAGAAGCTAAAGGAGGTTGCAGGCTTGCCTGACGACTGTG-3'
Protein context (NP_000422.1, residues 72-92): TSFLEQGDVT[Thr82Ala]PTSEQVEKLK

ClinVar aggregate classification (germline): Uncertain significance (1 of 4 stars; one submission).

Conditions:
Mevalonic aciduria (MEVA). Identifiers: Orphanet 29, MedGen C1959626, MONDO:0012481, OMIM 610377.
Porokeratosis 3, disseminated superficial actinic type (POROK3). Also called: POROKERATOSIS 3, MULTIPLE TYPES; POROKERATOSIS 3, MIBELLI TYPE; POROKERATOSIS, DISSEMINATED SUPERFICIAL ACTINIC, 1. Identifiers: MedGen C1867981, MONDO:0008293, OMIM 175900.
Hyperimmunoglobulin D with periodic fever (HIDS). Also called: Hyperimmunoglobulinemia D with periodic fever; Hyperimmunoglobulinemia D; HYPERIMMUNOGLOBULINEMIA D AND PERIODIC FEVER SYNDROME. Identifiers: Orphanet 343, MedGen C0398691, MONDO:0009849, OMIM 260920.

Submission:

Labcorp Genetics (formerly Invitae), Labcorp
Classification: Uncertain significance for Mevalonic aciduria; Hyperimmunoglobulin D with periodic fever; Porokeratosis 3, disseminated superficial actinic type. Last evaluated: 2020-03-29. Review status: criteria provided, single submitter. Criteria: Invitae Variant Classification Sherloc (09022015). Collection method: clinical testing. Allele origin: germline.
Comment: In summary, the available evidence is currently insufficient to determine the role of this variant in disease. Therefore, it has been classified as a Variant of Uncertain Significance. Algorithms developed to predict the effect of missense changes on protein structure and function output the following: SIFT: "Tolerated"; PolyPhen-2: "Benign"; Align-GVGD: "Class C0". The alanine amino acid residue is found in multiple mammalian species, suggesting that this missense change does not adversely affect protein function. These predictions have not been confirmed by published functional studies and their clinical significance is uncertain. This variant has not been reported in the literature in individuals with MVK-related conditions. This variant is not present in population databases (ExAC no frequency). This sequence change replaces threonine with alanine at codon 82 of the MVK protein (p.Thr82Ala). The threonine residue is weakly conserved and there is a small physicochemical difference between threonine and alanine.